The following is an entry in ClinVar:

NM_005886.3(KATNB1):c.1933C>T (p.Arg645Cys)

Gene: KATNB1 (katanin regulatory subunit B1; plus strand). Cytogenetic location: 16q21.
Variant type: single nucleotide variant.
Coding change: c.1933C>T on transcript NM_005886.3 (MANE Select); coding-DNA position 1933, C replaced by T.
Protein change: p.Arg645Cys; replaces arginine 645 with cysteine.
Molecular consequence: missense variant.
Genome position (GRCh38, 1-based): chr16:57,756,911, C>T. VCF-style: chr16-57756911-C-T. GRCh37 (hg19) VCF-style: chr16-57790823-C-T.
Other names: c.1933C>T (NM_005886.2); short protein forms R645C.
Identifiers: ClinVar variation 1924147 (VCV001924147.6), dbSNP rs139909887, ClinGen allele CA8081423.

ClinVar aggregate classification (germline): Uncertain significance. Review status: criteria provided, multiple submitters, no conflicts (2 of 4 stars). 3 submissions from 3 submitters: Uncertain significance (3). Last evaluated 2024-12-03.

Conditions:
Inborn genetic diseases. Identifiers: MedGen C0950123, MeSH D030342.

Allele frequency attached by ClinVar (database versions not stated): gnomAD 0.00003; TOPMed 0.00003; ExAC 0.00011.
gnomAD v4.1: 42 of 1,550,560 alleles (0.0027%); highest among the groups gnomAD compares: African/African-American, 0.0096%; no homozygotes.

Submissions (3):

Ambry Genetics
Classification: Uncertain significance for Inborn genetic diseases. Last evaluated: 2024-12-03. Review status: criteria provided, single submitter. Criteria: Ambry Variant Classification Scheme 2023. Collection method: clinical testing. Allele origin: germline.

Labcorp Genetics (formerly Invitae), Labcorp
Classification: Uncertain significance. Last evaluated: 2024-03-14. Review status: criteria provided, single submitter. Criteria: Invitae Variant Classification Sherloc (09022015). Collection method: clinical testing. Allele origin: germline.
Comment: This sequence change replaces arginine, which is basic and polar, with cysteine, which is neutral and slightly polar, at codon 645 of the KATNB1 protein (p.Arg645Cys). This variant is present in population databases (rs139909887, gnomAD 0.02%). This variant has not been reported in the literature in individuals affected with KATNB1-related conditions. ClinVar contains an entry for this variant (Variation ID: 1924147). An algorithm developed to predict the effect of missense changes on protein structure and function (PolyPhen-2) suggests that this variant is likely to be disruptive. In summary, the available evidence is currently insufficient to determine the role of this variant in disease. Therefore, it has been classified as a Variant of Uncertain Significance.

Blueprint Genetics
Classification: Uncertain significance. Last evaluated: 2023-11-01. Review status: criteria provided, single submitter. Criteria: ACMG Guidelines, 2015. Collection method: clinical testing. Allele origin: germline.